The following is an entry in ClinVar:

ClinVar aggregate classification (germline): Uncertain significance. Review status: criteria provided, multiple submitters, no conflicts (2 of 4 stars). 2 submissions from 2 submitters: Uncertain significance (2). Last evaluated 2025-08-05.

Conditions:
FG syndrome (FGS). Identifiers: MedGen C0220769, MONDO:0002010.

Submissions (2):

GeneDx
Classification: Uncertain significance. Last evaluated: 2025-08-05. Review status: criteria provided, single submitter. Criteria: GeneDx Variant Classification Process June 2021. Collection method: clinical testing. Allele origin: germline. Affected: yes.
Comment: Not observed at significant frequency in large population cohorts (gnomAD); In silico analysis suggests that this missense variant does not alter protein structure/function; Has not been previously published as pathogenic or benign to our knowledge

Labcorp Genetics (formerly Invitae), Labcorp
Classification: Uncertain significance for FG syndrome. Last evaluated: 2025-07-02. Review status: criteria provided, single submitter. Criteria: Invitae Variant Classification Sherloc (09022015). Collection method: clinical testing. Allele origin: germline.
Comment: This sequence change replaces arginine, which is basic and polar, with histidine, which is basic and polar, at codon 1910 of the MED12 protein (p.Arg1910His). This variant is not present in population databases (gnomAD no frequency). This variant has not been reported in the literature in individuals affected with MED12-related conditions. Invitae Evidence Modeling of protein sequence and biophysical properties (such as structural, functional, and spatial information, amino acid conservation, physicochemical variation, residue mobility, and thermodynamic stability) indicates that this missense variant is not expected to disrupt MED12 protein function with a negative predictive value of 95%. In summary, the available evidence is currently insufficient to determine the role of this variant in disease. Therefore, it has been classified as a Variant of Uncertain Significance.

NM_005120.3(MED12):c.5729G>A (p.Arg1910His)

Gene: MED12 (mediator complex subunit 12; plus strand). Cytogenetic location: Xq13.1.
Variant type: single nucleotide variant.
Coding change: c.5729G>A on transcript NM_005120.3 (MANE Select); coding-DNA position 5729, G replaced by A.
Protein change: p.Arg1910His; replaces arginine 1910 with histidine.
Molecular consequence: missense variant.
Genome position (GRCh38, 1-based): chrX:71,137,364, G>A. VCF-style: chrX-71137364-G-A. GRCh37 (hg19) VCF-style: chrX-70357214-G-A.
Other names: c.5729G>A (NM_005120.2); short protein forms R1910H.
Identifiers: ClinVar variation 4706764 (VCV004706764.1).